The following is an entry in ClinVar:

NM_138694.4(PKHD1):c.3048T>C (p.Asn1016=)

Gene: PKHD1 (PKHD1 ciliary IPT domain containing fibrocystin/polyductin; minus strand). Cytogenetic location: 6p12.2.
Variant type: single nucleotide variant.
Coding change: c.3048T>C on transcript NM_138694.4 (MANE Select); coding-DNA position 3048, T replaced by C.
Protein change: p.Asn1016=; no amino-acid change (asparagine 1016 retained).
Molecular consequence: synonymous variant.
Genome position (GRCh38, 1-based): chr6:52,042,908, A>G on the plus strand (T>C on the coding strand, the complement: PKHD1 is on the minus strand). VCF-style: chr6-52042908-A-G. GRCh37 (hg19) VCF-style: chr6-51907706-A-G.
Other names: c.3048T>C, p.Asn1016= (NM_170724.3).
Identifiers: ClinVar variation 96394 (VCV000096394.45), dbSNP rs138989655, ClinGen allele CA224064.

ClinVar aggregate classification (germline): Conflicting classifications of pathogenicity. Review status: criteria provided, conflicting classifications (1 of 4 stars). 8 submissions from 8 submitters: Uncertain significance (2); Likely benign (5). 1 of the submissions does not count toward it. Last evaluated 2026-01-13.

Conditions:
Polycystic kidney disease 4 (PKD4). Also called: POLYCYSTIC KIDNEY AND HEPATIC DISEASE 1; POLYCYSTIC KIDNEY DISEASE, INFANTILE, TYPE I; PKD3; POLYCYSTIC KIDNEY DISEASE 4 WITH OR WITHOUT POLYCYSTIC LIVER DISEASE; Autosomal Recessive Polycystic Kidney Disease – PKHD1. Identifiers: MedGen C4540575, MONDO:0033004, OMIM 263200.
Autosomal recessive polycystic kidney disease (ARPKD). Also called: AR polycystic kidney disease. Identifiers: Orphanet 731, Orphanet 8378, MedGen C0085548, MeSH D017044, MONDO:0009889.

Allele frequency attached by ClinVar (database versions not stated): gnomAD 0.00016 and 0.00019; 1000 Genomes Project 0.00020; ExAC 0.00021; gnomAD exomes 0.00024 and 0.00025; TOPMed 0.00025; 1000 Genomes Project 30x 0.00031; ESP Exome Variant Server 0.00031.
gnomAD v4.1: 428 of 1,613,984 alleles (0.027%); highest among the groups gnomAD compares: Middle Eastern, 0.3%; 1 homozygote.

Submissions (8):

Labcorp Genetics (formerly Invitae), Labcorp
Classification: Likely benign for Autosomal recessive polycystic kidney disease. Last evaluated: 2026-01-13. Review status: criteria provided, single submitter. Criteria: Invitae Variant Classification Sherloc (09022015). Collection method: clinical testing. Allele origin: germline.

Blueprint Genetics
Classification: Likely benign. Last evaluated: 2024-11-21. Review status: criteria provided, single submitter. Criteria: ACMG Guidelines, 2015. Collection method: clinical testing. Allele origin: germline.

CeGaT Center for Human Genetics Tuebingen
Classification: Likely benign. Last evaluated: 2024-04-01. Review status: criteria provided, single submitter. Criteria: CeGaT Center For Human Genetics Tuebingen Variant Classification Criteria Version 2. Collection method: clinical testing. Allele origin: germline. Affected: yes. Observed: 1 variant allele.
Comment: PKHD1: BP4, BP7

Genome-Nilou Lab
Classification: Likely benign for Polycystic kidney disease 4. Last evaluated: 2021-05-18. Review status: criteria provided, single submitter. Criteria: ACMG Guidelines, 2015. Collection method: clinical testing. Allele origin: germline. Affected: no.

GeneDx
Classification: Likely benign. Last evaluated: 2020-09-21. Review status: criteria provided, single submitter. Criteria: GeneDx Variant Classification Process June 2021. Collection method: clinical testing. Allele origin: germline. Affected: yes.

Eurofins Ntd Llc (ga)
Classification: Uncertain significance. Last evaluated: 2018-08-07. Review status: criteria provided, single submitter. Criteria: EGL ClinVar v180209 classification definitions. Collection method: clinical testing. Allele origin: germline. Observed: 13 variant alleles, 13 heterozygotes.

Illumina Laboratory Services, Illumina
Classification: Uncertain significance for Polycystic kidney disease 4. Last evaluated: 2018-01-13. Review status: criteria provided, single submitter. Criteria: ICSL Variant Classification Criteria 13 December 2019. Collection method: clinical testing. Allele origin: germline.

Natera, Inc.
Classification: Likely benign for Autosomal recessive polycystic kidney disease. Last evaluated: 2020-04-30. Review status: no assertion criteria provided. Collection method: clinical testing. Allele origin: germline. Not counted in ClinVar's aggregate classification.